The following is an entry in ClinVar:

ClinVar aggregate classification (germline): Uncertain significance. Review status: criteria provided, multiple submitters, no conflicts (2 of 4 stars). 2 submissions from 2 submitters: Uncertain significance (2). Last evaluated 2024-04-09.

Conditions:
Hereditary cancer-predisposing syndrome. Also called: Neoplastic Syndromes, Hereditary; Hereditary Cancer Syndrome; Tumor predisposition; Hereditary neoplastic syndrome. Identifiers: Orphanet 140162, MedGen C0027672, MeSH D009386, MONDO:0015356.
Ataxia-telangiectasia syndrome (AT). Also called: LOUIS-BAR SYNDROME; Cerebello-oculocutaneous telangiectasia; Immunodeficiency with ataxia telangiectasia; Ataxia-telangiectasia, complementation group D; AT, COMPLEMENTATION GROUP C; Ataxia-telangiectasia, complementation group E. Identifiers: Orphanet 100, MedGen C0004135, MONDO:0008840, OMIM 208900.

gnomAD v4.1: 2 of 1,565,294 alleles (0.00013%); highest among the groups gnomAD compares: Non-Finnish European, 0.00018%; no homozygotes.

Submissions (2):

Labcorp Genetics (formerly Invitae), Labcorp
Classification: Uncertain significance for Ataxia-telangiectasia syndrome. Last evaluated: 2024-04-09. Review status: criteria provided, single submitter. Criteria: Invitae Variant Classification Sherloc (09022015). Collection method: clinical testing. Allele origin: germline.
Comment: This sequence change replaces isoleucine, which is neutral and non-polar, with valine, which is neutral and non-polar, at codon 1999 of the ATM protein (p.Ile1999Val). This variant is not present in population databases (gnomAD no frequency). This variant has not been reported in the literature in individuals affected with ATM-related conditions. ClinVar contains an entry for this variant (Variation ID: 481340). An algorithm developed to predict the effect of missense changes on protein structure and function (PolyPhen-2) suggests that this variant is likely to be tolerated. In summary, the available evidence is currently insufficient to determine the role of this variant in disease. Therefore, it has been classified as a Variant of Uncertain Significance.

Ambry Genetics
Classification: Uncertain significance for Hereditary cancer-predisposing syndrome. Last evaluated: 2023-09-09. Review status: criteria provided, single submitter. Criteria: Ambry Variant Classification Scheme 2023. Collection method: clinical testing. Allele origin: germline.
Comment: The p.I1999V variant (also known as c.5995A>G), located in coding exon 39 of the ATM gene, results from an A to G substitution at nucleotide position 5995. The isoleucine at codon 1999 is replaced by valine, an amino acid with highly similar properties. This amino acid position is well conserved in available vertebrate species. In addition, this alteration is predicted to be tolerated by in silico analysis. Since supporting evidence is limited at this time, the clinical significance of this alteration remains unclear.

NM_000051.4(ATM):c.5995A>G (p.Ile1999Val)

Genes: ATM (ATM serine/threonine kinase; plus strand), C11orf65 (chromosome 11 open reading frame 65; minus strand). Cytogenetic location: 11q22.3.
Variant type: single nucleotide variant.
Coding change: c.5995A>G on transcript NM_000051.4 (MANE Select); coding-DNA position 5995, A replaced by G.
Protein change: p.Ile1999Val; replaces isoleucine 1999 with valine.
Molecular consequence: missense variant. On other transcripts: intron variant (2).
Genome position (GRCh38, 1-based): chr11:108,312,487, A>G. VCF-style: chr11-108312487-A-G. GRCh37 (hg19) VCF-style: chr11-108183214-A-G.
Other names: c.5995A>G, p.Ile1999Val (NM_001351834.2); c.641-3416T>C (NM_001330368.2); c.*39-3416T>C (NM_001351110.2); short protein forms I1999V.
Identifiers: ClinVar variation 481340 (VCV000481340.13), dbSNP rs1201228506, ClinGen allele CA382548793.